The following is an entry in ClinVar:

NM_032119.4(ADGRV1):c.16285G>A (p.Glu5429Lys)

Gene: ADGRV1 (adhesion G protein-coupled receptor V1; plus strand). Cytogenetic location: 5q14.3.
Variant type: single nucleotide variant.
Coding change: c.16285G>A on transcript NM_032119.4 (MANE Select); coding-DNA position 16285, G replaced by A.
Protein change: p.Glu5429Lys; replaces glutamic acid 5429 with lysine.
Molecular consequence: missense variant. On other transcripts: non-coding transcript variant (1).
Genome position (GRCh38, 1-based): chr5:90,823,513, G>A. VCF-style: chr5-90823513-G-A. GRCh37 (hg19) VCF-style: chr5-90119330-G-A.
Other names: short protein forms E5429K.
Identifiers: ClinVar variation 163622 (VCV000163622.25), dbSNP rs183851734, ClinGen allele CA176242.

ClinVar aggregate classification (germline): Conflicting classifications of pathogenicity. Review status: criteria provided, conflicting classifications (1 of 4 stars). 7 submissions from 7 submitters: Uncertain significance (3); Benign (1); Likely benign (2). 1 of the submissions does not count toward it. Last evaluated 2025-09-22.

Conditions:
ADGRV1-related disorder. Also called: ADGRV1-related condition; ADGRV1-related disorders.
Inborn genetic diseases. Identifiers: MedGen C0950123, MeSH D030342.

Allele frequency attached by ClinVar (database versions not stated): ESP Exome Variant Server 0.00049; gnomAD 0.00086; 1000 Genomes Project 0.00100; TOPMed 0.00100; 1000 Genomes Project 30x 0.00109.
gnomAD v4.1: 215 of 1,613,846 alleles (0.013%); highest among the groups gnomAD compares: African/African-American, 0.25%; 1 homozygote.

Submissions (7):

Labcorp Genetics (formerly Invitae), Labcorp
Classification: Likely benign. Last evaluated: 2025-09-22. Review status: criteria provided, single submitter. Criteria: Invitae Variant Classification Sherloc (09022015). Collection method: clinical testing. Allele origin: germline.

Blueprint Genetics
Classification: Benign. Last evaluated: 2023-12-14. Review status: criteria provided, single submitter. Criteria: ACMG Guidelines, 2015. Collection method: clinical testing. Allele origin: germline.

Ambry Genetics
Classification: Uncertain significance for Inborn genetic diseases. Last evaluated: 2021-10-20. Review status: criteria provided, single submitter. Criteria: Ambry Variant Classification Scheme 2023. Collection method: clinical testing. Allele origin: germline.

GeneDx
Classification: Likely benign. Last evaluated: 2021-05-28. Review status: criteria provided, single submitter. Criteria: GeneDx Variant Classification Process June 2021. Collection method: clinical testing. Allele origin: germline. Affected: yes.

Laboratory for Molecular Medicine, Mass General Brigham Personalized Medicine
Classification: Uncertain significance. Last evaluated: 2017-12-11. Review status: criteria provided, single submitter. Criteria: LMM Criteria. Collection method: clinical testing. Allele origin: germline. Observed: 3 variant alleles.
Comment: Variant classified as Uncertain Significance - Favor Benign. The p.Glu5429Lys va riant in ADGRV1 has been previously reported in 2 individuals with hearing loss by our laboratory; however, a variant affecting the remaining copy of ADGRV1 was not identified. This variant was identified in 0.24% (58/24022) of African chro mosomes by the Genome Aggregation Database (gnomAD .org; dbSNP rs183851734). Although this variant has been seen in the general pop ulation, its frequency is not high enough to rule out a pathogenic role. Computa tional prediction tools and conservation analyses do not provide strong support for or against an impact to the protein. In summary, while the clinical signific ance of the p.Glu5429Lys variant is uncertain, its frequency in the general popu lation suggests that it is more likely to be benign. ACMG/AMP Criteria applied: BS1_Supporting.

Eurofins Ntd Llc (ga)
Classification: Uncertain significance. Last evaluated: 2016-05-25. Review status: criteria provided, single submitter. Criteria: EGL Classification Definitions 2015. Collection method: clinical testing. Allele origin: germline. Observed: 2 variant alleles, 2 heterozygotes.

PreventionGenetics, part of Exact Sciences
Classification: Likely benign for ADGRV1-related condition. Last evaluated: 2024-01-26. Review status: no assertion criteria provided. Collection method: clinical testing. Allele origin: germline. Not counted in ClinVar's aggregate classification.
Comment: This variant is classified as likely benign based on ACMG/AMP sequence variant interpretation guidelines (Richards et al. 2015 PMID: 25741868, with internal and published modifications).